The following is an entry in ClinVar:

ClinVar aggregate classification (germline): Conflicting classifications of pathogenicity. Review status: criteria provided, conflicting classifications (1 of 4 stars). 2 submissions from 2 submitters: Uncertain significance (1); Likely benign (1). Last evaluated 2025-06-17.

Conditions:
Inborn genetic diseases. Identifiers: MedGen C0950123, MeSH D030342.

Submissions (2):

Ambry Genetics
Classification: Likely benign for Inborn genetic diseases. Last evaluated: 2025-06-17. Review status: criteria provided, single submitter. Criteria: Ambry Variant Classification Scheme 2023. Collection method: clinical testing. Allele origin: germline.

Labcorp Genetics (formerly Invitae), Labcorp
Classification: Uncertain significance. Last evaluated: 2024-05-31. Review status: criteria provided, single submitter. Criteria: Invitae Variant Classification Sherloc (09022015). Collection method: clinical testing. Allele origin: germline.
Comment: This sequence change replaces leucine, which is neutral and non-polar, with glutamine, which is neutral and polar, at codon 9 of the MBD4 protein (p.Leu9Gln). This variant is not present in population databases (gnomAD no frequency). This variant has not been reported in the literature in individuals affected with MBD4-related conditions. An algorithm developed to predict the effect of missense changes on protein structure and function (PolyPhen-2) suggests that this variant is likely to be tolerated. In summary, the available evidence is currently insufficient to determine the role of this variant in disease. Therefore, it has been classified as a Variant of Uncertain Significance.

NM_001276270.2(MBD4):c.26T>A (p.Leu9Gln)

Genes: MBD4 (methyl-CpG binding domain 4, DNA glycosylase; minus strand), LOC129937550 (ATAC-STARR-seq lymphoblastoid active region 20512; plus strand). Cytogenetic location: 3q21.3.
Variant type: single nucleotide variant.
Coding change: c.26T>A on transcript NM_001276270.2 (MANE Select); coding-DNA position 26, T replaced by A.
Protein change: p.Leu9Gln; replaces leucine 9 with glutamine.
Molecular consequence: missense variant.
Genome position (GRCh38, 1-based): chr3:129,439,808, A>T on the plus strand (T>A on the coding strand, the complement: MBD4 is on the minus strand). VCF-style: chr3-129439808-A-T. GRCh37 (hg19) VCF-style: chr3-129158651-A-T.
Other names: c.26T>A, p.Leu9Gln (NM_001276271.2, NM_001276272.2, NM_001276273.2 and 1 more transcripts); short protein forms L9Q.
Identifiers: ClinVar variation 3690752 (VCV003690752.3).